The following is an entry in ClinVar:

ClinVar aggregate classification (germline): Benign/Likely benign. Review status: criteria provided, multiple submitters, no conflicts (2 of 4 stars). 8 submissions from 8 submitters: Benign (1); Likely benign (7). Last evaluated 2026-08-13.

Conditions:
Charcot-Marie-Tooth disease. Also called: Charcot-Marie-Tooth Neuropathy; Charcot-Marie-Tooth Hereditary Neuropathy. Identifiers: Orphanet 166, MedGen C0007959, MONDO:0015626.
Charcot-Marie-Tooth disease type 4. Also called: Charcot-Marie-Tooth disease, type IV; Charcot-Marie-Tooth, Type 4. Identifiers: Orphanet 64749, MedGen C4082197, MONDO:0018995.
Charcot-Marie-Tooth disease type 4F. Also called: Charcot-Marie-Tooth disease, demyelinating, type 4F. Identifiers: Orphanet 99952, MedGen C3540453, MONDO:0013959, OMIM 614895.
PRX-related disorder. Also called: PRX-Related Disorders; PRX-related condition.
Inborn genetic diseases. Identifiers: MedGen C0950123, MeSH D030342.

Allele frequency attached by ClinVar (database versions not stated): gnomAD 0.00003; TOPMed 0.00005; gnomAD exomes 0.00117; ExAC 0.00135; 1000 Genomes Project 0.00300; 1000 Genomes Project 30x 0.00312.

Submissions (8):

PreventionGenetics, part of Exact Sciences
Classification: Likely benign for PRX-related condition. Last evaluated: 2026-08-13. Review status: criteria provided, single submitter. Criteria: ACMG Guidelines, 2015. Collection method: clinical testing. Allele origin: germline.
Comment: This variant is classified as likely benign based on ACMG/AMP sequence variant interpretation guidelines (Richards et al. 2015 PMID: 25741868, with internal and published modifications).

Labcorp Genetics (formerly Invitae), Labcorp
Classification: Benign for Charcot-Marie-Tooth disease type 4. Last evaluated: 2025-11-21. Review status: criteria provided, single submitter. Criteria: Invitae Variant Classification Sherloc (09022015). Collection method: clinical testing. Allele origin: germline.

Blueprint Genetics
Classification: Likely benign. Last evaluated: 2024-11-27. Review status: criteria provided, single submitter. Criteria: ACMG Guidelines, 2015. Collection method: clinical testing. Allele origin: germline.

Ambry Genetics
Classification: Likely benign for Inborn genetic diseases. Last evaluated: 2019-07-11. Review status: criteria provided, single submitter. Criteria: Ambry Variant Classification Scheme 2023. Collection method: clinical testing. Allele origin: germline.

GeneDx
Classification: Likely benign. Last evaluated: 2018-02-27. Review status: criteria provided, single submitter. Criteria: GeneDx Variant Classification (06012015). Collection method: clinical testing. Allele origin: germline. Affected: yes.
Comment: This variant is considered likely benign or benign based on one or more of the following criteria: it is a conservative change, it occurs at a poorly conserved position in the protein, it is predicted to be benign by multiple in silico algorithms, and/or has population frequency not consistent with disease.

Illumina Laboratory Services, Illumina
Classification: Likely benign for Charcot-Marie-Tooth disease type 4F. Last evaluated: 2018-01-12. Review status: criteria provided, single submitter. Criteria: ICSL Variant Classification Criteria 13 December 2019. Collection method: clinical testing. Allele origin: germline.
Comment: This variant was observed in the ICSL laboratory as part of a predisposition screen in an ostensibly healthy population. It had not been previously curated by ICSL or reported in the Human Gene Mutation Database (HGMD: prior to June 1st, 2018), and was therefore a candidate for classification through an automated scoring system. Utilizing variant allele frequency, disease prevalence and penetrance estimates, and inheritance mode, an automated score was calculated to assess if this variant is too frequent to cause the disease. Based on the score and internal cut-off values, a variant classified as likely benign is not then subjected to further curation. The score for this variant resulted in a classification of likely benign for this disease.

Breakthrough Genomics
Classification: Likely benign. Review status: criteria provided, single submitter. Criteria: ACMG Guidelines, 2015. Collection method: not provided. Allele origin: germline. Inheritance: Autosomal recessive inheritance. Affected: yes.

Molecular Genetics Laboratory, London Health Sciences Centre
Classification: Likely benign for Charcot-Marie-Tooth disease. Review status: criteria provided, single submitter. Criteria: ACMG Guidelines, 2015. Collection method: clinical testing. Allele origin: germline. Affected: yes.

NM_181882.3(PRX):c.2775C>T (p.Val925=)

Gene: PRX (periaxin; minus strand). Cytogenetic location: 19q13.2.
Variant type: single nucleotide variant.
Coding change: c.2775C>T on transcript NM_181882.3 (MANE Select); coding-DNA position 2775, C replaced by T.
Protein change: p.Val925=; no amino-acid change (valine 925 retained).
Molecular consequence: synonymous variant. On other transcripts: 3 prime UTR variant (1).
Genome position (GRCh38, 1-based): chr19:40,395,577, G>A on the plus strand (C>T on the coding strand, the complement: PRX is on the minus strand). VCF-style: chr19-40395577-G-A. GRCh37 (hg19) VCF-style: chr19-40901484-G-A.
Other names: c.*2980C>T (NM_020956.2).
Identifiers: ClinVar variation 329262 (VCV000329262.21), dbSNP rs201792838, ClinGen allele CA9443980.